The following is an entry in ClinVar:

NM_005068.3(SIM1):c.1270G>A (p.Asp424Asn)

Genes: SIM1 (SIM bHLH transcription factor 1; minus strand), SIM1-AS1 (SIM1 antisense RNA 1; plus strand). Cytogenetic location: 6q16.3.
Variant type: single nucleotide variant.
Coding change: c.1270G>A on transcript NM_005068.3 (MANE Select); coding-DNA position 1270, G replaced by A.
Protein change: p.Asp424Asn; replaces aspartic acid 424 with asparagine.
Molecular consequence: missense variant. On other transcripts: non-coding transcript variant (1).
Genome position (GRCh38, 1-based): chr6:100,393,787, C>T on the plus strand (G>A on the coding strand, the complement: SIM1 is on the minus strand). VCF-style: chr6-100393787-C-T. GRCh37 (hg19) VCF-style: chr6-100841663-C-T.
Other names: c.1270G>A, p.Asp424Asn (NM_001374769.1); short protein forms D424N.
Identifiers: ClinVar variation 4987863 (VCV004987863.1).

ClinVar aggregate classification (germline): Uncertain significance (1 of 4 stars; one submission).

Conditions:
SIM1-related disorder. Also called: SIM1-related disorders; SIM1-related condition.

gnomAD v4.1: 14 of 1,613,930 alleles (0.00087%); highest among the groups gnomAD compares: African/African-American, 0.0027%; no homozygotes.

Submission:

PreventionGenetics, part of Exact Sciences
Classification: Uncertain significance for SIM1-related condition. Last evaluated: 2026-06-24. Review status: criteria provided, single submitter. Criteria: ACMG Guidelines, 2015. Collection method: clinical testing. Allele origin: germline.
Comment: The SIM1 c.1270G>A variant is predicted to result in the amino acid substitution p.Asp424Asn. To our knowledge, this variant has not been reported in the literature. This variant is reported in 0.0062% of alleles in individuals of African descent in gnomAD. At this time, the clinical significance of this variant is uncertain due to the absence of conclusive functional and genetic evidence.